The following is an entry in ClinVar:

NM_054027.6(ANKH):c.*2243C>T

Genes: ANKH (ANKH inorganic pyrophosphate transport regulator; minus strand), OTULIN (OTU deubiquitinase with linear linkage specificity; plus strand). Cytogenetic location: 5p15.2.
Variant type: single nucleotide variant.
Coding change: c.*2243C>T on transcript NM_054027.6 (MANE Select); 2243 bases downstream of the stop codon, C replaced by T.
Molecular consequence: 3 prime UTR variant.
Genome position (GRCh38, 1-based): chr5:14,708,954, G>A on the plus strand (C>T on the coding strand, the complement: ANKH is on the minus strand). VCF-style: chr5-14708954-G-A. GRCh37 (hg19) VCF-style: chr5-14709063-G-A.
Identifiers: ClinVar variation 351451 (VCV000351451.5), dbSNP rs531980160, ClinGen allele CA10623030.

ClinVar aggregate classification (germline): Likely benign. Review status: criteria provided, single submitter (1 of 4 stars). 2 submissions from 1 submitter: Likely benign (2). Last evaluated 2017-04-27.

Conditions:
Chondrocalcinosis 2. Also called: CALCIUM GOUT; CALCIUM PYROPHOSPHATE ARTHROPATHY; Familial calcium pyrophosphate deposition. Identifiers: Orphanet 1416, MedGen C0856830, MONDO:0007319, OMIM 118600.
Craniometaphyseal dysplasia, autosomal dominant (CMDD). Identifiers: Orphanet 1522, MedGen C1852502, MONDO:0007397, OMIM 123000.

Allele frequency attached by ClinVar (database versions not stated): gnomAD 0.00045; 1000 Genomes Project 0.00060; 1000 Genomes Project 30x 0.00062; TOPMed 0.00081.

Submissions (2):

Illumina Laboratory Services, Illumina
Classification: Likely benign for Chondrocalcinosis 2. Last evaluated: 2017-04-27. Review status: criteria provided, single submitter. Criteria: ICSL Variant Classification Criteria 13 December 2019. Collection method: clinical testing. Allele origin: germline.
Comment: This variant was observed as part of a predisposition screen in an ostensibly healthy population. A literature search was performed for the gene, cDNA change, and amino acid change (where applicable). No publications were found based on this search. Allele frequency data from public databases allowed determination this variant is unlikely to cause disease. Therefore, this variant is classified as likely benign.

Illumina Laboratory Services, Illumina
Classification: Likely benign for Craniometaphyseal dysplasia, autosomal dominant. Last evaluated: 2017-04-27. Review status: criteria provided, single submitter. Criteria: ICSL Variant Classification Criteria 13 December 2019. Collection method: clinical testing. Allele origin: germline.
Comment: the same text as in the submission from Illumina Laboratory Services, Illumina above.